The following is an entry in ClinVar:

NM_001283009.2(RTEL1):c.1266+3_1266+80del

Genes: RTEL1 (regulator of telomere elongation helicase 1; plus strand), RTEL1-TNFRSF6B (RTEL1-TNFRSF6B readthrough (NMD candidate); plus strand). Cytogenetic location: 20q13.33.
Variant type: Deletion.
Coding change: c.1266+3_1266+80del on transcript NM_001283009.2 (MANE Select); bases 3 to 80 of the intron after coding-DNA position 1266, 78 bases deleted.
Molecular consequence: splice donor variant.
Genome position (GRCh38, 1-based): chr20:63,685,600-63,685,677, 78 bases deleted. GRCh37 (hg19): chr20:62,316,953-62,317,030.
Other names: c.1338+3_1338+80delAGGGGCCACCTCCAGGAGGCAGGTGGAGGGCAGCCCTTGTTCCCCGGCAGGGCTGGGGGCCTTACAGTCCTATAAGGT (NM_032957.4); c.597+3_597+80del (NM_001283010.1); c.1338+3_1338+80del (NM_032957.5); c.1266+3_1266+80del (NM_016434.4); c.1338+3_1338+80del78 (NM_032957.4).
Identifiers: ClinVar variation 858747 (VCV000858747.18), dbSNP rs2090574236, ClinGen allele CA916083772.

ClinVar aggregate classification (germline): Conflicting classifications of pathogenicity. Review status: criteria provided, conflicting classifications (1 of 4 stars). 8 submissions from 8 submitters: Likely pathogenic (6); Uncertain significance (1). 1 of the submissions does not count toward it. Last evaluated 2026-04-13.

Conditions:
Inborn genetic diseases. Identifiers: MedGen C0950123, MeSH D030342.
Dyskeratosis congenita, X-linked (DKCX). Also called: Zinsser-Cole-Engman Syndrome. Identifiers: MedGen C1148551, MONDO:0010584, OMIM 305000.
Dyskeratosis congenita, autosomal recessive 1. Identifiers: Orphanet 1775, MedGen C1857144, MONDO:0009136, OMIM 224230.
Dyskeratosis congenita, autosomal recessive 5 (DKCB5). Identifiers: MedGen C3554656, MONDO:0014076, OMIM 615190.
Pulmonary fibrosis and/or bone marrow failure, Telomere-related, 3. Also called: PULMONARY FIBROSIS AND/OR BONE MARROW FAILURE SYNDROME, TELOMERE-RELATED, 3. Identifiers: Orphanet 2032, MedGen C4225346, MONDO:0014613, OMIM 616373.
RTEL1-related disorder. Also called: RTEL1-related disorders; RTEL1-related condition.
Dyskeratosis congenita. Identifiers: Orphanet 1775, MedGen C0265965, MONDO:0015780.

Submissions (8):

GeneDx
Classification: Likely pathogenic. Last evaluated: 2026-04-13. Review status: criteria provided, single submitter. Criteria: GeneDx Variant Classification Process June 2021. Collection method: clinical testing. Allele origin: germline.
Comment: Published RNA studies demonstrate aberrant splicing resulting in skipping of in-frame exon 15 in the majority of transcripts (PMID: 26847928); Not observed at significant frequency in large population cohorts (gnomAD); This variant is associated with the following publications: (PMID: 26847928, 39279213)

Labcorp Genetics (formerly Invitae), Labcorp
Classification: Likely pathogenic for Dyskeratosis congenita, autosomal recessive 5; Pulmonary fibrosis and/or bone marrow failure, Telomere-related, 3. Last evaluated: 2025-10-18. Review status: criteria provided, single submitter. Criteria: Invitae Variant Classification Sherloc (09022015). Collection method: clinical testing. Allele origin: germline.
Comment: This sequence change falls in intron 15 of the RTEL1 gene. It does not directly change the encoded amino acid sequence of the RTEL1 protein. RNA analysis indicates that this variant induces altered splicing and likely results in a shortened protein product. This variant is not present in population databases (gnomAD no frequency). This variant has been observed in individual(s) with Hoyeraal-Hreidarsson syndrome and/or telomere biology disorders (PMID: 26847928, 39279213). In at least one individual the data is consistent with being in trans (on the opposite chromosome) from a pathogenic variant. ClinVar contains an entry for this variant (Variation ID: 858747). Variants that disrupt the consensus splice site are a relatively common cause of aberrant splicing (PMID: 17576681, 9536098). Studies have shown that this variant results in skipping of exon 15, but is expected to preserve the integrity of the reading-frame (PMID: 26847928). In summary, the currently available evidence indicates that the variant is pathogenic, but additional data are needed to prove that conclusively. Therefore, this variant has been classified as Likely Pathogenic.

Natera, Inc.
Classification: Likely pathogenic for Dyskeratosis congenita. Last evaluated: 2025-08-14. Review status: criteria provided, single submitter. Criteria: Natera Variant Classification Schema (03/2026). Collection method: clinical testing. Allele origin: germline.
Comment: The c.1338+3_1338+80delAGGGGCCACCTCCAGGAGGCAGGTGGAGGGCAGCCCTTGTTCCCCGGCAGGGCTGGGGGCCTTACAGTCCTATAAGGT variant in RTEL1 is a duplication in the intronic region. This variant is rare in the general population with a frequency below the threshold expected for the associated phenotype(s). This variant has been observed in one or more individuals affected with the associated recessive disease, as either homozygous or compound heterozygous with a second variant (PMID: 26847928). Functional studies show that this variant may disrupt protein function (PMID: 26847928). Given the available evidence, this variant is classified as Likely Pathogenic.

Broad Center for Mendelian Genomics, Broad Institute of MIT and Harvard
Classification: Likely pathogenic for Dyskeratosis congenita, autosomal recessive 1. Last evaluated: 2025-06-27. Review status: criteria provided, single submitter. Criteria: ACMG Guidelines, 2015. Collection method: curation. Allele origin: germline. Inheritance: Autosomal recessive inheritance. Study: GREGoR Consortium.
Comment: The phase of these variants are unknown at this time. The c.1266+3_1266+80del variant in RTEL1 has been reported in 1 individual with Hoyeraal-Hreidarsson syndrome (PMID: 26847928), and has been identified in 0.012% (7/59974) of Admixed American chromosomes by the Genome Aggregation Database (gnomAD; dbSNP rs2090574236). Although this variant has been seen in the general population in a heterozygous state, its frequency is low enough to be consistent with a recessive carrier frequency. This variant has also been reported in ClinVar (VCV000858747.14) and has been interpreted as likely pathogenic by Labcorp Genetics (formerly Invitae), GeneDx, PreventionGenetics, and Baylor Genetics, and a variant of uncertain significance by Ambry Genetics. Of the 2 affected individuals, 1 was a compound heterozygote that carried a pathogenic variant in trans, which increases the likelihood that the c.1266+3_1266+80del variant is pathogenic (PMID: 26847928). In vitro functional studies provide some evidence that the c.1266+3_1266+80del variant may impact protein function (PMID: 26847928). However these assays may not accurately represent biological function. Computational prediction tools and conservation analyses suggest that this variant may impact the protein, though this information is not predictive enough to determine pathogenicity. This variant is located in the 5' splice region. Computational tool suggest an impact to splicing. However, this information is not predictive enough to determine pathogenicity. RT-PCR analysis shows that this variant leads to in-frame skipping of exon 15, and his more likely to escape nonsense mediated decay (NMD) and result in a truncated protein. Loss of function of the RTEL1 gene is an established disease mechanism in autosomal recessive dyskeratosis congenita. In summary, although additional studies are required to fully establish its clinical significance, this variant is likely pathogenic for autosomal recessive dyskeratosis congenita. ACMG/AMP Criteria applied: PM3, PM2_supporting, PS3_moderate, PVS1_moderate (Richards 2015).

Baylor Genetics
Classification: Likely pathogenic for Dyskeratosis congenita, autosomal recessive 5. Last evaluated: 2024-03-26. Review status: criteria provided, single submitter. Criteria: ACMG Guidelines, 2015. Collection method: clinical testing. Allele origin: unknown.

PreventionGenetics, part of Exact Sciences
Classification: Likely pathogenic for RTEL1-related condition. Last evaluated: 2023-06-30. Review status: criteria provided, single submitter. Criteria: ACMG Guidelines, 2015. Collection method: clinical testing. Allele origin: germline.
Comment: The RTEL1 c.1338+3_1338+80del78 variant is predicted to result in an intronic deletion. This variant has been reported in the compound heterozygous state with a RTEL1 nonsense variant in an individual with Hoyeraal-Hreidarsson syndrome (Jullien et al.2016. PubMed ID: 26847928). Functional studies showed that this variant leads to an exon skipping and an inframe deletion of 25 amino acids ( p.Ile398_Lys422), and may affect a part of the helicase ARCH domain. This variant has not been reported in the literature or in a large population database, indicating this variant is rare. This variant is interpreted as likely pathogenic.

Ambry Genetics
Classification: Uncertain significance for Inborn genetic diseases. Last evaluated: 2021-09-24. Review status: criteria provided, single submitter. Criteria: Ambry Variant Classification Scheme 2023. Collection method: clinical testing. Allele origin: germline.
Comment: The c.1338+3_1338+80del78 alteration is located in Intron 15 (E) of the RTEL1 gene. This alteration consists of a deletion of 78 nucleotides between nucleotide positions c.13383 and c.133880 Intron 15 (E). Based on insufficient or conflicting evidence, the clinical significance of this alteration remains unclear.

Pediatric Department
Classification: Pathogenic for Dyskeratosis congenita, X-linked. Review status: no assertion criteria provided. Collection method: clinical testing. Allele origin: germline. Inheritance: Autosomal recessive inheritance. Affected: yes. Not counted in ClinVar's aggregate classification.

Literature cited by the submitters: PubMed 26847928 (cited by Labcorp Genetics (formerly Invitae), Labcorp and Natera, Inc.); PubMed 39279213 (cited by Labcorp Genetics (formerly Invitae), Labcorp); PubMed 17576681 (cited by Labcorp Genetics (formerly Invitae), Labcorp); PubMed 9536098 (cited by Labcorp Genetics (formerly Invitae), Labcorp); PubMed 23959892 (cited by Pediatric Department).